The following is an entry in ClinVar:

ClinVar aggregate classification (germline): Uncertain significance. Review status: criteria provided, multiple submitters, no conflicts (2 of 4 stars). 4 submissions from 4 submitters: Uncertain significance (4). Last evaluated 2026-05-01.

Conditions:
HRAS-related disorder. Also called: HRAS-related condition.
Costello syndrome (CSTLO). Also called: FACIOCUTANEOSKELETAL SYNDROME; FCS SYNDROME; HRAS-Related Costello Syndrome. Identifiers: Orphanet 3071, MedGen C0587248, MONDO:0009026, OMIM 218040.

Allele frequency attached by ClinVar (database versions not stated): gnomAD exomes below 0.00001; ExAC 0.00001.
gnomAD v4.1: 1 of 1,613,766 alleles (0.000062%); highest among the groups gnomAD compares: East Asian, 0.0022%; no homozygotes.

Submissions (4):

Women's Health and Genetics/Laboratory Corporation of America, LabCorp
Classification: Uncertain significance. Last evaluated: 2026-05-01. Review status: criteria provided, single submitter. Criteria: LabCorp Variant Classification Summary - May 2015. Collection method: clinical testing. Allele origin: germline.
Comment: Variant summary: HRAS c.362C>T (p.Ala121Val) results in a non-conservative amino acid change in the encoded protein sequence. Algorithms developed to predict the effect of missense changes on protein structure and function are either unavailable or do not agree on the potential impact of this missense change. The variant allele was found at a frequency of 4e-06 in 251358 control chromosomes. The available data on variant occurrences in the general population are insufficient to allow any conclusion about variant significance. To our knowledge, no occurrence of c.362C>T in individuals affected with HRAS-related conditions and no experimental evidence demonstrating its impact on protein function have been reported. ClinVar contains an entry for this variant (Variation ID: 180855). Based on the evidence outlined above, the variant was classified as uncertain significance.

PreventionGenetics, part of Exact Sciences
Classification: Uncertain significance for HRAS-related condition. Last evaluated: 2025-11-10. Review status: criteria provided, single submitter. Criteria: ACMG Guidelines, 2015. Collection method: clinical testing. Allele origin: germline.
Comment: The HRAS c.362C>T variant is predicted to result in the amino acid substitution p.Ala121Val. To our knowledge, this variant has not been reported in the literature. This variant is reported in 0.0054% of alleles in individuals of East Asian descent in gnomAD. At this time, the clinical significance of this variant is uncertain due to the absence of conclusive functional and genetic evidence.

Labcorp Genetics (formerly Invitae), Labcorp
Classification: Uncertain significance for Costello syndrome. Last evaluated: 2025-07-13. Review status: criteria provided, single submitter. Criteria: Invitae Variant Classification Sherloc (09022015). Collection method: clinical testing. Allele origin: germline.
Comment: This sequence change replaces alanine, which is neutral and non-polar, with valine, which is neutral and non-polar, at codon 121 of the HRAS protein (p.Ala121Val). This variant is present in population databases (rs376667492, gnomAD 0.006%). This variant has not been reported in the literature in individuals affected with HRAS-related conditions. ClinVar contains an entry for this variant (Variation ID: 180855). Invitae Evidence Modeling of protein sequence and biophysical properties (such as structural, functional, and spatial information, amino acid conservation, physicochemical variation, residue mobility, and thermodynamic stability) indicates that this missense variant is not expected to disrupt HRAS protein function with a negative predictive value of 95%. In summary, the available evidence is currently insufficient to determine the role of this variant in disease. Therefore, it has been classified as a Variant of Uncertain Significance.

GeneDx
Classification: Uncertain significance. Last evaluated: 2014-09-17. Review status: criteria provided, single submitter. Criteria: GeneDx Variant Classification (06012015). Collection method: clinical testing. Allele origin: germline. Affected: yes.
Comment: p.Ala121Val (GCT>GTT): c.362 C>T in exon 4 of the HRAS gene (NM_005343.2). The A121V variant has not been published as a mutation or as a benign polymorphism to our knowledge. The A121V variant was not observed in approximately 6,500 individuals of European and African American ancestry in the NHLBI Exome Sequencing Project, indicating it is not a common benign variant in these populations. In addition, this substitution occurs at a position that is conserved by class across species. Furthermore, a missense mutation in a nearby residue (K117R) have been reported in association with Costello syndrome, supporting the functional importance of this region of the protein. However, in silico analysis is inconsistent in its predictions as to whether or not the variant is damaging to the protein structure/function. Moreover, the A121V variant is a conservative amino acid substitution, which is not likely to impact secondary protein structure as these residues share similar properties. Therefore, based on the currently available information, it is unclear whether this variant is a pathogenic mutation or a rare benign variant. The variant is found in CARDIOMYOPATHY panel(s).

NM_005343.4(HRAS):c.362C>T (p.Ala121Val)

Genes: HRAS (HRas proto-oncogene, GTPase; minus strand), LRRC56 (leucine rich repeat containing 56; plus strand). Cytogenetic location: 11p15.5.
Variant type: single nucleotide variant.
Coding change: c.362C>T on transcript NM_005343.4 (MANE Select); coding-DNA position 362, C replaced by T.
Protein change: p.Ala121Val; replaces alanine 121 with valine.
Molecular consequence: missense variant. On other transcripts: synonymous variant (1).
Genome position (GRCh38, 1-based): chr11:533,541, G>A on the plus strand (C>T on the coding strand, the complement: HRAS is on the minus strand). VCF-style: chr11-533541-G-A. GRCh37 (hg19) VCF-style: chr11-533541-G-A.
Other names: p.A121V:GCT>GTT; c.362C>T, p.Ala121Val (NM_001130442.3, NM_176795.5); c.43C>T, p.Leu15= (NM_001318054.2); c.362C>T (NM_005343.3); short protein forms A121V.
Identifiers: ClinVar variation 180855 (VCV000180855.12), dbSNP rs376667492, ClinGen allele CA296073.